The following is an entry in ClinVar:

ClinVar aggregate classification (germline): Conflicting classifications of pathogenicity. Review status: criteria provided, conflicting classifications (1 of 4 stars). 3 submissions from 3 submitters: Uncertain significance (2); Likely benign (1). Last evaluated 2025-10-28.

Conditions:
Cardiovascular phenotype. Identifiers: MedGen CN230736.

Allele frequency attached by ClinVar (database versions not stated): gnomAD exomes 0.00001; gnomAD 0.00023 and 0.00027; TOPMed 0.00029.
gnomAD v4.1: 57 of 1,488,422 alleles (0.0038%); highest among the groups gnomAD compares: African/African-American, 0.073%; no homozygotes.

Submissions (3):

Women's Health and Genetics/Laboratory Corporation of America, LabCorp
Classification: Uncertain significance. Last evaluated: 2025-10-28. Review status: criteria provided, single submitter. Criteria: LabCorp Variant Classification Summary - May 2015. Collection method: clinical testing. Allele origin: germline.
Comment: Variant summary: ZNF469 c.3094C>A (p.Pro1032Thr) results in a non-conservative amino acid change in the encoded protein sequence. Algorithms developed to predict the effect of missense changes on protein structure and function are either unavailable or do not agree on the potential impact of this missense change. The frequency data for this variant in gnomAD is considered unreliable, as metrics indicate poor data quality at this position. To our knowledge, no occurrence of c.3094C>A in individuals affected with ZNF469-related conditions and no experimental evidence demonstrating its impact on protein function have been reported. ClinVar contains an entry for this variant (Variation ID: 1465792). Based on the evidence outlined above, the variant was classified as uncertain significance.

Ambry Genetics
Classification: Likely benign for Cardiovascular phenotype. Last evaluated: 2025-02-12. Review status: criteria provided, single submitter. Criteria: Ambry Variant Classification Scheme 2023. Collection method: clinical testing. Allele origin: germline.

Labcorp Genetics (formerly Invitae), Labcorp
Classification: Uncertain significance. Last evaluated: 2022-08-10. Review status: criteria provided, single submitter. Criteria: Invitae Variant Classification Sherloc (09022015). Collection method: clinical testing. Allele origin: germline.
Comment: This sequence change replaces proline, which is neutral and non-polar, with threonine, which is neutral and polar, at codon 1032 of the ZNF469 protein (p.Pro1032Thr). This variant is present in population databases (no rsID available, gnomAD 0.09%). This variant has not been reported in the literature in individuals affected with ZNF469-related conditions. ClinVar contains an entry for this variant (Variation ID: 1465792). Algorithms developed to predict the effect of missense changes on protein structure and function are either unavailable or do not agree on the potential impact of this missense change (SIFT: "Deleterious"; PolyPhen-2: "Possibly Damaging"; Align-GVGD: "Class C0"). In summary, the available evidence is currently insufficient to determine the role of this variant in disease. Therefore, it has been classified as a Variant of Uncertain Significance.

NM_001367624.2(ZNF469):c.3094C>A (p.Pro1032Thr)

Gene: ZNF469 (zinc finger protein 469; plus strand). Cytogenetic location: 16q24.2.
Variant type: single nucleotide variant.
Coding change: c.3094C>A on transcript NM_001367624.2 (MANE Select); coding-DNA position 3094, C replaced by A.
Protein change: p.Pro1032Thr; replaces proline 1032 with threonine.
Molecular consequence: missense variant.
Genome position (GRCh38, 1-based): chr16:88,430,564, C>A. VCF-style: chr16-88430564-C-A. GRCh37 (hg19) VCF-style: chr16-88496972-C-A.
Other names: NM_001127464.1:c.3094C>A; short protein forms P1032T.
Identifiers: ClinVar variation 1465792 (VCV001465792.8), dbSNP rs1047137544, ClinGen allele CA286374443.